The following is an entry in ClinVar:

ClinVar aggregate classification (germline): Uncertain significance (1 of 4 stars; one submission).

Conditions:
Biotin-responsive basal ganglia disease (BTBGD). Also called: Thiamine Transporter-2 Deficiency; Thiamine metabolism dysfunction syndrome type 2; THIAMINE METABOLISM DYSFUNCTION SYNDROME 2 (BIOTIN- AND THIAMINE-RESPONSIVE TYPE); Thiamine metabolism dysfunction syndrome 2 (biotin- or thiamine-responsive encephalopathy type 2); thiamine-responsive encephalopathy. Identifiers: Orphanet 199348, Orphanet 65284, MedGen C1843807, MONDO:0011841, OMIM 607483.

Allele frequency attached by ClinVar (database versions not stated): gnomAD exomes below 0.00001 and 0.00002; ExAC 0.00002; gnomAD 0.00002; TOPMed 0.00003.
gnomAD v4.1: 10 of 1,614,060 alleles (0.00062%); highest among the groups gnomAD compares: Non-Finnish European, 0.00085%; no homozygotes.

Submission:

Labcorp Genetics (formerly Invitae), Labcorp
Classification: Uncertain significance for Biotin-responsive basal ganglia disease. Last evaluated: 2022-08-16. Review status: criteria provided, single submitter. Criteria: Invitae Variant Classification Sherloc (09022015). Collection method: clinical testing. Allele origin: germline.
Comment: This sequence change replaces valine, which is neutral and non-polar, with alanine, which is neutral and non-polar, at codon 180 of the SLC19A3 protein (p.Val180Ala). This variant is present in population databases (rs761311668, gnomAD 0.004%). This variant has not been reported in the literature in individuals affected with SLC19A3-related conditions. ClinVar contains an entry for this variant (Variation ID: 1478725). Advanced modeling of protein sequence and biophysical properties (such as structural, functional, and spatial information, amino acid conservation, physicochemical variation, residue mobility, and thermodynamic stability) performed at Invitae indicates that this missense variant is not expected to disrupt SLC19A3 protein function. In summary, the available evidence is currently insufficient to determine the role of this variant in disease. Therefore, it has been classified as a Variant of Uncertain Significance.

NM_025243.4(SLC19A3):c.539T>C (p.Val180Ala)

Gene: SLC19A3 (solute carrier family 19 member 3; minus strand). Cytogenetic location: 2q36.3.
Variant type: single nucleotide variant.
Coding change: c.539T>C on transcript NM_025243.4 (MANE Select); coding-DNA position 539, T replaced by C.
Protein change: p.Val180Ala; replaces valine 180 with alanine.
Molecular consequence: missense variant.
Genome position (GRCh38, 1-based): chr2:227,699,176, A>G on the plus strand (T>C on the coding strand, the complement: SLC19A3 is on the minus strand). VCF-style: chr2-227699176-A-G. GRCh37 (hg19) VCF-style: chr2-228563892-A-G.
Other names: c.539T>C, p.Val180Ala (NM_001371411.1, NM_001371412.1); c.527T>C, p.Val176Ala (NM_001371413.1, NM_001371414.1); short protein forms V180A, V176A.
Identifiers: ClinVar variation 1478725 (VCV001478725.5), dbSNP rs761311668, ClinGen allele CA2149274.